The following is an entry in ClinVar:

NM_033026.6(PCLO):c.3300+7_3300+8insTTTATATATATATATATATATA

Gene: PCLO (piccolo presynaptic cytomatrix protein; minus strand). Cytogenetic location: 7q21.11.
Variant type: Microsatellite.
Coding change: c.3300+7_3300+8insTTTATATATATATATATATATA on transcript NM_033026.6 (MANE Select); bases 7 to 8 of the intron after coding-DNA position 3300, TTTATATATATATATATATATA inserted.
Molecular consequence: intron variant.
Genome position: GRCh38 VCF-style: chr7-83134242-T-TATATATATATATATATATATAA. GRCh37 (hg19) VCF-style: chr7-82763558-T-TATATATATATATATATATATAA.
Other names: c.3300+7_3300+8insTTTATATATATATATATATATA (NM_014510.3).
Identifiers: ClinVar variation 1160731 (VCV001160731.23), dbSNP rs746054139.

ClinVar aggregate classification (germline): Likely benign. Review status: criteria provided, multiple submitters, no conflicts (2 of 4 stars). 2 submissions from 2 submitters: Likely benign (2). Last evaluated 2026-01-19.

Submissions (2):

Labcorp Genetics (formerly Invitae), Labcorp
Classification: Likely benign. Last evaluated: 2026-01-19. Review status: criteria provided, single submitter. Criteria: Invitae Variant Classification Sherloc (09022015). Collection method: clinical testing. Allele origin: germline.

CeGaT Center for Human Genetics Tuebingen
Classification: Likely benign. Last evaluated: 2025-11-01. Review status: criteria provided, single submitter. Criteria: CeGaT Center For Human Genetics Tuebingen Variant Classification Criteria Version 2. Collection method: clinical testing. Allele origin: germline. Affected: yes. Observed: 3 variant alleles.
Comment: PCLO: BP4, BS2